The following is an entry in ClinVar:

ClinVar aggregate classification (germline): Uncertain significance. Review status: criteria provided, multiple submitters, no conflicts (2 of 4 stars). 2 submissions from 2 submitters: Uncertain significance (2). Last evaluated 2025-11-24.

Conditions:
Inborn genetic diseases. Identifiers: MedGen C0950123, MeSH D030342.

gnomAD v4.1: 2 of 1,613,872 alleles (0.00012%); highest among the groups gnomAD compares: African/African-American, 0.0013%; no homozygotes.

Submissions (2):

Ambry Genetics
Classification: Uncertain significance for Inborn genetic diseases. Last evaluated: 2025-11-24. Review status: criteria provided, single submitter. Criteria: Ambry Variant Classification Scheme 2023. Collection method: clinical testing. Allele origin: germline.

Labcorp Genetics (formerly Invitae), Labcorp
Classification: Uncertain significance. Last evaluated: 2025-10-22. Review status: criteria provided, single submitter. Criteria: Invitae Variant Classification Sherloc (09022015). Collection method: clinical testing. Allele origin: germline.
Comment: This sequence change replaces isoleucine, which is neutral and non-polar, with leucine, which is neutral and non-polar, at codon 504 of the RNF216 protein (p.Ile504Leu). This variant is not present in population databases (gnomAD no frequency). This variant has not been reported in the literature in individuals affected with RNF216-related conditions. An algorithm developed to predict the effect of missense changes on protein structure and function (PolyPhen-2) suggests that this variant is likely to be tolerated. In summary, the available evidence is currently insufficient to determine the role of this variant in disease. Therefore, it has been classified as a Variant of Uncertain Significance.

NM_207111.4(RNF216):c.1510A>T (p.Ile504Leu)

Gene: RNF216 (ring finger protein 216; minus strand). Cytogenetic location: 7p22.1.
Variant type: single nucleotide variant.
Coding change: c.1510A>T on transcript NM_207111.4 (MANE Select); coding-DNA position 1510, A replaced by T.
Protein change: p.Ile504Leu; replaces isoleucine 504 with leucine.
Molecular consequence: missense variant.
Genome position (GRCh38, 1-based): chr7:5,721,167, T>A on the plus strand (A>T on the coding strand, the complement: RNF216 is on the minus strand). VCF-style: chr7-5721167-T-A. GRCh37 (hg19) VCF-style: chr7-5760798-T-A.
Other names: c.1339A>T, p.Ile447Leu (NM_001377156.1, NM_207116.3); short protein forms I504L, I447L.
Identifiers: ClinVar variation 4629237 (VCV004629237.2).